The following is an entry in ClinVar:

NM_017415.3(KLHL3):c.193C>T (p.Arg65Cys)

Gene: KLHL3 (kelch like family member 3; minus strand). Cytogenetic location: 5q31.2.
Variant type: single nucleotide variant.
Coding change: c.193C>T on transcript NM_017415.3 (MANE Select); coding-DNA position 193, C replaced by T.
Protein change: p.Arg65Cys; replaces arginine 65 with cysteine.
Molecular consequence: missense variant.
Genome position (GRCh38, 1-based): chr5:137,709,798, G>A on the plus strand (C>T on the coding strand, the complement: KLHL3 is on the minus strand). VCF-style: chr5-137709798-G-A. GRCh37 (hg19) VCF-style: chr5-137045487-G-A.
Other names: c.97C>T, p.Arg33Cys (NM_001257194.1); short protein forms R33C, R65C.
Identifiers: ClinVar variation 3591749 (VCV003591749.4).

ClinVar aggregate classification (germline): Uncertain significance. Review status: criteria provided, multiple submitters, no conflicts (2 of 4 stars). 3 submissions from 3 submitters: Uncertain significance (3). Last evaluated 2026-01-28.

Conditions:
Pseudohypoaldosteronism type 2D (PHA2D). Also called: FAMILIAL HYPERKALEMIC HYPERTENSION; PSEUDOHYPOALDOSTERONISM, TYPE IID, AUTOSOMAL DOMINANT OR RECESSIVE; Pseudohypoaldosteronism Type IID. Identifiers: Orphanet 300525, Orphanet 757, MedGen C3469605, MONDO:0013781, OMIM 614495.

gnomAD v4.1: 4 of 1,614,120 alleles (0.00025%); highest among the groups gnomAD compares: Non-Finnish European, 0.00025%; no homozygotes.

Submissions (3):

Labcorp Genetics (formerly Invitae), Labcorp
Classification: Uncertain significance. Last evaluated: 2026-01-28. Review status: criteria provided, single submitter. Criteria: Invitae Variant Classification Sherloc (09022015). Collection method: clinical testing. Allele origin: germline.
Comment: This sequence change replaces arginine, which is basic and polar, with cysteine, which is neutral and slightly polar, at codon 65 of the KLHL3 protein (p.Arg65Cys). This variant is not present in population databases (gnomAD no frequency). This variant has not been reported in the literature in individuals affected with KLHL3-related conditions. ClinVar contains an entry for this variant (Variation ID: 3591749). Invitae Evidence Modeling of protein sequence and biophysical properties (such as structural, functional, and spatial information, amino acid conservation, physicochemical variation, residue mobility, and thermodynamic stability) has been performed for this missense variant. However, the output from this modeling did not meet the statistical confidence thresholds required to predict the impact of this variant on KLHL3 protein function. In summary, the available evidence is currently insufficient to determine the role of this variant in disease. Therefore, it has been classified as a Variant of Uncertain Significance.

Fulgent Genetics
Classification: Uncertain significance for Pseudohypoaldosteronism type 2D. Last evaluated: 2024-02-14. Review status: criteria provided, single submitter. Criteria: ACMG Guidelines, 2015. Collection method: clinical testing. Allele origin: germline.

Blueprint Genetics
Classification: Uncertain significance. Last evaluated: 2021-11-19. Review status: criteria provided, single submitter. Criteria: ACMG Guidelines, 2015. Collection method: clinical testing. Allele origin: germline.